The following is an entry in ClinVar:

NM_001042545.2(LTBP4):c.1307-2A>G

Gene: LTBP4 (latent transforming growth factor beta binding protein 4; plus strand). Cytogenetic location: 19q13.2.
Variant type: single nucleotide variant.
Coding change: c.1307-2A>G on transcript NM_001042545.2 (MANE Select); the canonical splice acceptor site of the intron before coding-DNA position 1307, A replaced by G.
Molecular consequence: splice acceptor variant.
Genome position (GRCh38, 1-based): chr19:40,608,482, A>G. VCF-style: chr19-40608482-A-G. GRCh37 (hg19) VCF-style: chr19-41114388-A-G.
Other names: c.1397-2A>G (NM_003573.2); c.1508-2A>G (NM_001042544.1).
Identifiers: ClinVar variation 1031008 (VCV001031008.16), dbSNP rs970983655, ClinGen allele CA308449720.

ClinVar aggregate classification (germline): Pathogenic/Likely pathogenic. Review status: criteria provided, multiple submitters, no conflicts (2 of 4 stars). 5 submissions from 5 submitters: Pathogenic (1); Likely pathogenic (3). 1 of the submissions does not count toward it. Last evaluated 2025-11-25.

Conditions:
LTBP4-related disorder. Also called: LTBP4-related condition.
Cutis laxa with severe pulmonary, gastrointestinal and urinary anomalies. Also called: Cutis laxa, autosomal recessive, type IC; LTBP4-Related Cutis Laxa; URBAN-RIFKIN-DAVIS SYNDROME. Identifiers: Orphanet 221145, MedGen C2750804, MONDO:0013170, OMIM 613177. Disease mechanism: loss of function.

Allele frequency attached by ClinVar (database versions not stated): TOPMed below 0.00001; gnomAD exomes below 0.00001.
gnomAD v4.1: 5 of 1,600,528 alleles (0.00031%); highest among the groups gnomAD compares: Middle Eastern, 0.017%; no homozygotes.

Submissions (5):

Labcorp Genetics (formerly Invitae), Labcorp
Classification: Likely pathogenic. Last evaluated: 2025-11-25. Review status: criteria provided, single submitter. Criteria: Invitae Variant Classification Sherloc (09022015). Collection method: clinical testing. Allele origin: germline.
Comment: This sequence change affects an acceptor splice site in intron 11 of the LTBP4 gene. It is expected to disrupt RNA splicing. Variants that disrupt the donor or acceptor splice site typically lead to a loss of protein function (PMID: 16199547), and loss-of-function variants in LTBP4 are known to be pathogenic (PMID: 19836010, 22829427). The frequency data for this variant in the population databases is considered unreliable, as metrics indicate poor data quality at this position in the gnomAD database. This variant has not been reported in the literature in individuals affected with LTBP4-related conditions. ClinVar contains an entry for this variant (Variation ID: 1031008). Algorithms developed to predict the effect of sequence changes on RNA splicing suggest that this variant may disrupt the consensus splice site. In summary, the currently available evidence indicates that the variant is pathogenic, but additional data are needed to prove that conclusively. Therefore, this variant has been classified as Likely Pathogenic.

3billion
Classification: Pathogenic for Cutis laxa with severe pulmonary, gastrointestinal and urinary anomalies. Last evaluated: 2025-09-09. Review status: criteria provided, single submitter. Criteria: ACMG Guidelines, 2015. Collection method: clinical testing. Allele origin: germline. Affected: yes.
Comment: The variant is observed at an extremely low frequency in the gnomAD v4.1.0 dataset (total allele frequency: <0.001%). Predicted Consequence/Location: Canonical splice site: predicted to alter splicing and result in a loss or disruption of normal protein function. Multiple pathogenic loss-of-function variants are reported downstream of the variant. In silico tools predict the variant to alter splicing and produce an abnormal transcript [SpliceAI: 0.70 (spliceogenicity >=0.2, non-spliceogenicity <0.1)]. The variant has been reported at least twice as pathogenic with clinical assertions and evidence for the classification (ClinVar ID: VCV001031008). Therefore, this variant is classified as Pathogenic according to the recommendation of ACMG/AMP guideline.

GeneDx
Classification: Likely pathogenic. Last evaluated: 2023-09-14. Review status: criteria provided, single submitter. Criteria: GeneDx Variant Classification Process June 2021. Collection method: clinical testing. Allele origin: germline. Affected: yes.
Comment: Canonical splice site variant expected to result in aberrant splicing, although in the absence of functional evidence the actual effect of this sequence change is unknown.; Not observed at significant frequency in large population cohorts (gnomAD); Has not been previously published as pathogenic or benign to our knowledge

Baylor Genetics
Classification: Likely pathogenic for Cutis laxa with severe pulmonary, gastrointestinal and urinary anomalies. Review status: criteria provided, single submitter. Criteria: ACMG Guidelines, 2015. Collection method: clinical testing. Allele origin: unknown.

PreventionGenetics, part of Exact Sciences
Classification: Likely pathogenic for LTBP4-related condition. Last evaluated: 2024-03-25. Review status: no assertion criteria provided. Collection method: clinical testing. Allele origin: germline. Not counted in ClinVar's aggregate classification.
Comment: The LTBP4 c.1397-2A>G variant is predicted to disrupt the AG splice acceptor site and interfere with normal splicing. To our knowledge, this variant has not been reported in the literature in association with LTBP4-related disease. This variant is reported in 0.0036% of alleles in individuals of South Asian descent in gnomAD. Variants that disrupt the consensus splice acceptor site in LTBP4 are expected to be pathogenic. This variant is interpreted as pathogenic.

Literature cited by the submitters: PubMed 16199547 (cited by Labcorp Genetics (formerly Invitae), Labcorp); PubMed 19836010 (cited by Labcorp Genetics (formerly Invitae), Labcorp); PubMed 22829427 (cited by Labcorp Genetics (formerly Invitae), Labcorp).